The following is an entry in ClinVar:

NM_001009944.3(PKD1):c.12003+1G>T

Gene: PKD1 (polycystin 1, transient receptor potential channel interacting; minus strand). Cytogenetic location: 16p13.3.
Variant type: single nucleotide variant.
Coding change: c.12003+1G>T on transcript NM_001009944.3 (MANE Select); the canonical splice donor site of the intron after coding-DNA position 12003, G replaced by T.
Molecular consequence: splice donor variant.
Genome position (GRCh38, 1-based): chr16:2,090,883, C>A on the plus strand (G>T on the coding strand, the complement: PKD1 is on the minus strand). VCF-style: chr16-2090883-C-A. GRCh37 (hg19) VCF-style: chr16-2140884-C-A.
Other names: c.12003+1G>T (NM_001009944.2); c.12000+1G>T (NM_000296.4).
Identifiers: ClinVar variation 3578880 (VCV003578880.3).

ClinVar aggregate classification (germline): Pathogenic/Likely pathogenic. Review status: criteria provided, multiple submitters, no conflicts (2 of 4 stars). 3 submissions from 3 submitters: Pathogenic (2); Likely pathogenic (1). Last evaluated 2025-04-23.

Conditions:
Polycystic kidney disease, adult type (PKD1). Also called: Polycystic Kidney Disease 1, Autosomal Dominant; Polycystic kidney disease 1; Polycystic kidney disease 1, severe; POLYCYSTIC KIDNEY DISEASE 1 WITH OR WITHOUT POLYCYSTIC LIVER DISEASE; POLYCYSTIC KIDNEY DISEASE, ADULT, TYPE I; Polycystic Kidney, Autosomal Dominant. Identifiers: MedGen C3149841, MONDO:0008263, OMIM 173900.
Autosomal dominant polycystic kidney disease. Identifiers: Orphanet 730, MedGen C0085413, MONDO:0004691.

Submissions (3):

GeneDx
Classification: Likely pathogenic. Last evaluated: 2025-04-23. Review status: criteria provided, single submitter. Criteria: GeneDx Variant Classification Process June 2021. Collection method: clinical testing. Allele origin: germline. Affected: yes.
Comment: Canonical splice site variant predicted to result in an in-frame loss of the adjacent exon in a gene for which loss of function is a known mechanism of disease; Not observed at significant frequency in large population cohorts (gnomAD); Has not been previously published as pathogenic or benign to our knowledge

Fulgent Genetics
Classification: Pathogenic for Polycystic kidney disease, adult type. Last evaluated: 2024-04-15. Review status: criteria provided, single submitter. Criteria: ACMG Guidelines, 2015. Collection method: clinical testing. Allele origin: germline.

Department of Pathology and Laboratory Medicine, Sinai Health System
Classification: Pathogenic for autosomal dominant polycystic kidney disease. Last evaluated: 2021-08-09. Review status: criteria provided, single submitter. Criteria: ACMG Guidelines, 2015. Collection method: clinical testing. Allele origin: germline. Affected: yes.

Literature cited by the submitters: PubMed 22508176 (cited by Department of Pathology and Laboratory Medicine, Sinai Health System).